The following is an entry in ClinVar:

ClinVar aggregate classification (germline): Uncertain significance. Review status: criteria provided, multiple submitters, no conflicts (2 of 4 stars). 2 submissions from 2 submitters: Uncertain significance (2). Last evaluated 2022-08-09.

Conditions:
Fanconi anemia (FA). Also called: Fanconi's anemia. Identifiers: Orphanet 84, MedGen C0015625, MeSH D005199, MONDO:0019391.

Allele frequency attached by ClinVar (database versions not stated): gnomAD 0.00001; gnomAD exomes 0.00002.
gnomAD v4.1: 27 of 1,608,432 alleles (0.0017%); highest among the groups gnomAD compares: Non-Finnish European, 0.0022%; no homozygotes.

Submissions (2):

Labcorp Genetics (formerly Invitae), Labcorp
Classification: Uncertain significance for Fanconi anemia. Last evaluated: 2022-08-09. Review status: criteria provided, single submitter. Criteria: Invitae Variant Classification Sherloc (09022015). Collection method: clinical testing. Allele origin: germline.
Comment: This sequence change replaces aspartic acid, which is acidic and polar, with glutamic acid, which is acidic and polar, at codon 519 of the FANCD2 protein (p.Asp519Glu). This variant is not present in population databases (gnomAD no frequency). This variant has not been reported in the literature in individuals affected with FANCD2-related conditions. Algorithms developed to predict the effect of missense changes on protein structure and function are either unavailable or do not agree on the potential impact of this missense change (SIFT: "Deleterious"; PolyPhen-2: "Probably Damaging"; Align-GVGD: "Class C0"). In summary, the available evidence is currently insufficient to determine the role of this variant in disease. Therefore, it has been classified as a Variant of Uncertain Significance.

Blueprint Genetics
Classification: Uncertain significance. Last evaluated: 2019-04-02. Review status: criteria provided, single submitter. Criteria: ACMG Guidelines, 2015. Collection method: clinical testing. Allele origin: germline.

NM_001018115.3(FANCD2):c.1557T>G (p.Asp519Glu)

Genes: FANCD2 (FA complementation group D2; plus strand), LOC107303338 (3p25 FANCD2 Alu-mediated recombination region; plus strand). Cytogenetic location: 3p25.3.
Variant type: single nucleotide variant.
Coding change: c.1557T>G on transcript NM_001018115.3 (MANE Select); coding-DNA position 1557, T replaced by G.
Protein change: p.Asp519Glu; replaces aspartic acid 519 with glutamic acid.
Molecular consequence: missense variant. On other transcripts: intron variant (1).
Genome position (GRCh38, 1-based): chr3:10,052,398, T>G. VCF-style: chr3-10052398-T-G. GRCh37 (hg19) VCF-style: chr3-10094082-T-G.
Other names: c.1557T>G, p.Asp519Glu (NM_001319984.2, NM_001374254.1, NM_033084.6); c.1545+2893T>G (NM_001374253.1); short protein forms D519E.
Identifiers: ClinVar variation 2159781 (VCV002159781.2), dbSNP rs2087244150, ClinGen allele CA351739782.
Genomic context (GRCh38, chr3:10,052,398, plus strand): 5'-GGAAAAATGTTAGCTGCTAGCCTCATTGTTGGCATCATTTTTTCCACAGGGCATTTTAGA[T>G]TATCTGGATAACATATCCCCTCAGCAAATACGAAAACTCTTCTATGTTCTCAGCACACTG-3'
Protein context (NP_001018125.1, residues 509-529): MNAVFVKGIL[Asp519Glu]YLDNISPQQI